The following is an entry in ClinVar:

ClinVar aggregate classification (germline): Pathogenic (1 of 4 stars; one submission).

Conditions:
Ataxia-telangiectasia-like disorder (ATLD). Identifiers: MedGen C1858391, MONDO:0011457.

Submission:

Labcorp Genetics (formerly Invitae), Labcorp
Classification: Pathogenic for Ataxia-telangiectasia-like disorder. Last evaluated: 2023-08-22. Review status: criteria provided, single submitter. Criteria: Invitae Variant Classification Sherloc (09022015). Collection method: clinical testing. Allele origin: germline.
Comment: For these reasons, this variant has been classified as Pathogenic. This variant has not been reported in the literature in individuals affected with MRE11-related conditions. This variant is not present in population databases (gnomAD no frequency). This sequence change creates a premature translational stop signal (p.Asn256Lysfs*25) in the MRE11 gene. It is expected to result in an absent or disrupted protein product. Loss-of-function variants in MRE11 are known to be pathogenic (PMID: 23080121, 23912341).

Literature cited by the submitters: PubMed 23080121; PubMed 23912341.

NM_005591.4(MRE11):c.768del (p.Asn256fs)

Gene: MRE11 (MRE11 double strand break repair nuclease; minus strand). Cytogenetic location: 11q21.
Variant type: Deletion.
Coding change: c.768del on transcript NM_005591.4 (MANE Select); coding-DNA position 768, one base deleted (T; older notation c.768delT).
Protein change: p.Asn256fs; shifts the reading frame from asparagine 256.
Molecular consequence: frameshift variant.
Genome position (GRCh38, 1-based): chr11:94,471,651, A deleted on the plus strand (T on the coding strand, the reverse complement: MRE11 is on the minus strand). VCF-style (leftmost placement, unchanged base first): chr11-94471650-CA-C. GRCh37 (hg19) VCF-style: chr11-94204816-CA-C.
Other names: c.768del, p.Asn256fs (NM_001330347.2, NM_005590.4); short protein forms N256fs.
Identifiers: ClinVar variation 2754290 (VCV002754290.3), dbSNP rs2496495665, ClinGen allele CA2697548885.